The following is an entry in ClinVar:

ClinVar aggregate classification (germline): Uncertain significance. Review status: criteria provided, multiple submitters, no conflicts (2 of 4 stars). 2 submissions from 2 submitters: Uncertain significance (2). Last evaluated 2024-05-06.

Conditions:
Inborn genetic diseases. Identifiers: MedGen C0950123, MeSH D030342.

Allele frequency attached by ClinVar (database versions not stated): gnomAD 0.00001; TOPMed 0.00001; ExAC 0.00002; gnomAD exomes 0.00002.
gnomAD v4.1: 32 of 1,613,424 alleles (0.002%); highest among the groups gnomAD compares: Admixed American, 0.0033%; no homozygotes.

Submissions (2):

GeneDx
Classification: Uncertain significance. Last evaluated: 2024-05-06. Review status: criteria provided, single submitter. Criteria: GeneDx Variant Classification Process June 2021. Collection method: clinical testing. Allele origin: germline. Affected: yes.
Comment: Not observed at significant frequency in large population cohorts (gnomAD); In silico analysis supports that this missense variant has a deleterious effect on protein structure/function; Has not been previously published as pathogenic or benign to our knowledge

Ambry Genetics
Classification: Uncertain significance for Inborn genetic diseases. Last evaluated: 2024-01-24. Review status: criteria provided, single submitter. Criteria: Ambry Variant Classification Scheme 2023. Collection method: clinical testing. Allele origin: germline.

NM_004447.6(EPS8):c.1261C>T (p.Pro421Ser)

Gene: EPS8 (EGFR pathway substrate 8, signaling adaptor; minus strand). Cytogenetic location: 12p12.3.
Variant type: single nucleotide variant.
Coding change: c.1261C>T on transcript NM_004447.6 (MANE Select); coding-DNA position 1261, C replaced by T.
Protein change: p.Pro421Ser; replaces proline 421 with serine.
Molecular consequence: missense variant. On other transcripts: non-coding transcript variant (3).
Genome position (GRCh38, 1-based): chr12:15,650,996, G>A on the plus strand (C>T on the coding strand, the complement: EPS8 is on the minus strand). VCF-style: chr12-15650996-G-A. GRCh37 (hg19) VCF-style: chr12-15803930-G-A.
Other names: c.1261C>T, p.Pro421Ser (NM_001413831.1, NM_001413832.1, NM_001413833.1 and 2 more transcripts); c.1021C>T, p.Pro341Ser (NM_001413835.1, NM_001413836.1); c.844C>T, p.Pro282Ser (NM_001413837.1); c.481C>T, p.Pro161Ser (NM_001413838.1); short protein forms P161S, P421S, P282S, P341S.
Identifiers: ClinVar variation 3089914 (VCV003089914.2), dbSNP rs765909422, ClinGen allele CA6467616.